The following is an entry in ClinVar:

ClinVar aggregate classification (germline): Likely benign. Review status: criteria provided, multiple submitters, no conflicts (2 of 4 stars). 2 submissions from 2 submitters: Likely benign (2). Last evaluated 2026-08-28.

Conditions:
ABL1-related disorder. Also called: ABL1-related condition.

Allele frequency attached by ClinVar (database versions not stated): 1000 Genomes Project 30x 0.00016; 1000 Genomes Project 0.00020; TOPMed 0.00005; ExAC 0.00007; gnomAD exomes 0.00008; gnomAD 0.00009 and 0.00010.
gnomAD v4.1: 137 of 1,613,876 alleles (0.0085%); highest among the groups gnomAD compares: South Asian, 0.018%; no homozygotes.

Submissions (2):

PreventionGenetics, part of Exact Sciences
Classification: Likely benign for ABL1-related condition. Last evaluated: 2026-08-28. Review status: criteria provided, single submitter. Criteria: ACMG Guidelines, 2015. Collection method: clinical testing. Allele origin: germline.
Comment: This variant is classified as likely benign based on ACMG/AMP sequence variant interpretation guidelines (Richards et al. 2015 PMID: 25741868, with internal and published modifications).

Labcorp Genetics (formerly Invitae), Labcorp
Classification: Likely benign. Last evaluated: 2025-05-10. Review status: criteria provided, single submitter. Criteria: Invitae Variant Classification Sherloc (09022015). Collection method: clinical testing. Allele origin: germline.

NM_005157.6(ABL1):c.2969C>T (p.Ser990Leu)

Gene: ABL1 (ABL proto-oncogene 1, non-receptor tyrosine kinase; plus strand). Cytogenetic location: 9q34.12.
Variant type: single nucleotide variant.
Coding change: c.2969C>T on transcript NM_005157.6 (MANE Select); coding-DNA position 2969, C replaced by T.
Protein change: p.Ser990Leu; replaces serine 990 with leucine.
Molecular consequence: missense variant.
Genome position (GRCh38, 1-based): chr9:130,885,259, C>T. VCF-style: chr9-130885259-C-T. GRCh37 (hg19) VCF-style: chr9-133760646-C-T.
Other names: c.3026C>T (NM_007313.2); c.3026C>T, p.Ser1009Leu (NM_007313.3); short protein forms S1009L, S990L.
Identifiers: ClinVar variation 1105298 (VCV001105298.10), dbSNP rs200523450, ClinGen allele CA5285827.
Genomic context (GRCh38, chr9:130,885,259, plus strand): 5'-AGCCGTCGGGGACCCCCATCAGCCCAGCCCCCGTTCCCTCCACGTTGCCATCAGCATCCT[C>T]GGCCCTGGCAGGGGACCAGCCGTCTTCCACCGCCTTCATCCCTCTCATATCAACCCGAGT-3'
Protein context (NP_005148.2, residues 980-1000): PVPSTLPSAS[Ser990Leu]ALAGDQPSST